The following is an entry in ClinVar:

NM_000368.5(TSC1):c.1721C>T (p.Thr574Ile)

Gene: TSC1 (TSC complex subunit 1; minus strand). Cytogenetic location: 9q34.13.
Variant type: single nucleotide variant.
Coding change: c.1721C>T on transcript NM_000368.5 (MANE Select); coding-DNA position 1721, C replaced by T.
Protein change: p.Thr574Ile; replaces threonine 574 with isoleucine.
Molecular consequence: missense variant.
Genome position (GRCh38, 1-based): chr9:132,905,857, G>A on the plus strand (C>T on the coding strand, the complement: TSC1 is on the minus strand). VCF-style: chr9-132905857-G-A. GRCh37 (hg19) VCF-style: chr9-135781244-G-A.
Other names: c.1718C>T, p.Thr573Ile (NM_001162426.2); c.1568C>T, p.Thr523Ile (NM_001162427.2); c.1358C>T, p.Thr453Ile (NM_001362177.2); short protein forms T523I, T453I, T573I, T574I.
Identifiers: ClinVar variation 819909 (VCV000819909.18), dbSNP rs548002938, ClinGen allele CA200888593.

ClinVar aggregate classification (germline): Conflicting classifications of pathogenicity. Review status: criteria provided, conflicting classifications (1 of 4 stars). 4 submissions from 4 submitters: Uncertain significance (3); Likely benign (1). Last evaluated 2025-11-24.

Conditions:
Hereditary cancer-predisposing syndrome. Also called: Neoplastic Syndromes, Hereditary; Tumor predisposition; Hereditary Cancer Syndrome; Hereditary neoplastic syndrome. Identifiers: Orphanet 140162, MedGen C0027672, MeSH D009386, MONDO:0015356.
Tuberous sclerosis 1 (TSC1). Identifiers: Orphanet 805, MedGen C1854465, MONDO:0008612, OMIM 191100.

Allele frequency attached by ClinVar (database versions not stated): 1000 Genomes Project 30x 0.00016; 1000 Genomes Project 0.00020.

Submissions (4):

Ambry Genetics
Classification: Uncertain significance for Hereditary cancer-predisposing syndrome. Last evaluated: 2025-11-24. Review status: criteria provided, single submitter. Criteria: Ambry Variant Classification Scheme 2023. Collection method: clinical testing. Allele origin: germline.
Comment: The p.T574I variant (also known as c.1721C>T), located in coding exon 13 of the TSC1 gene, results from a C to T substitution at nucleotide position 1721. The threonine at codon 574 is replaced by isoleucine, an amino acid with similar properties. This amino acid position is not well conserved in available vertebrate species. In addition, this alteration is predicted to be tolerated by in silico analysis. Since supporting evidence is limited at this time, the clinical significance of this alteration remains unclear.

Labcorp Genetics (formerly Invitae), Labcorp
Classification: Likely benign for Tuberous sclerosis 1. Last evaluated: 2025-07-29. Review status: criteria provided, single submitter. Criteria: Invitae Variant Classification Sherloc (09022015). Collection method: clinical testing. Allele origin: germline.

Blueprint Genetics
Classification: Uncertain significance. Last evaluated: 2023-10-26. Review status: criteria provided, single submitter. Criteria: ACMG Guidelines, 2015. Collection method: clinical testing. Allele origin: germline.

Genome-Nilou Lab
Classification: Uncertain significance for Tuberous sclerosis 1. Last evaluated: 2021-11-07. Review status: criteria provided, single submitter. Criteria: ACMG Guidelines, 2015. Collection method: clinical testing. Allele origin: germline. Affected: no.